The following is an entry in ClinVar:

NM_006014.5(LAGE3):c.250C>A (p.Pro84Thr)

Gene: LAGE3 (L antigen family member 3; minus strand). Cytogenetic location: Xq28.
Variant type: single nucleotide variant.
Coding change: c.250C>A on transcript NM_006014.5 (MANE Select); coding-DNA position 250, C replaced by A.
Protein change: p.Pro84Thr; replaces proline 84 with threonine.
Molecular consequence: missense variant.
Genome position (GRCh38, 1-based): chrX:154,478,350, G>T on the plus strand (C>A on the coding strand, the complement: LAGE3 is on the minus strand). VCF-style: chrX-154478350-G-T. GRCh37 (hg19) VCF-style: chrX-153706689-G-T.
Other names: c.250C>A (NM_006014.3); short protein forms P84T.
Identifiers: ClinVar variation 1303794 (VCV001303794.3), dbSNP rs782164177, ClinGen allele CA10565237.

ClinVar aggregate classification (germline): Uncertain significance. Review status: criteria provided, multiple submitters, no conflicts (2 of 4 stars). 2 submissions from 2 submitters: Uncertain significance (2). Last evaluated 2025-08-30.

Allele frequency attached by ClinVar (database versions not stated): gnomAD 0.00001; 1000 Genomes Project 30x 0.00021; 1000 Genomes Project 0.00026.
gnomAD v4.1: 2 of 1,206,664 alleles (0.00017%); highest among the groups gnomAD compares: Admixed American, 0.0044%; no homozygotes.

Submissions (2):

Ambry Genetics
Classification: Uncertain significance. Last evaluated: 2025-08-30. Review status: criteria provided, single submitter. Criteria: Ambry Variant Classification Scheme 2023. Collection method: clinical testing. Allele origin: germline.

GeneDx
Classification: Uncertain significance. Last evaluated: 2019-08-22. Review status: criteria provided, single submitter. Criteria: GeneDx Variant Classification Process June 2021. Collection method: clinical testing. Allele origin: germline. Affected: yes.
Comment: Not observed at a significant frequency in large population cohorts (Lek et al., 2016); In silico analysis, which includes protein predictors and evolutionary conservation, supports a deleterious effect; Has not been previously published as pathogenic or benign to our knowledge